The following is an entry in ClinVar:

NM_015100.4(POGZ):c.1496G>A (p.Cys499Tyr)

Gene: POGZ (pogo transposable element derived with ZNF domain; minus strand). Cytogenetic location: 1q21.3.
Variant type: single nucleotide variant.
Coding change: c.1496G>A on transcript NM_015100.4 (MANE Select); coding-DNA position 1496, G replaced by A.
Protein change: p.Cys499Tyr; replaces cysteine 499 with tyrosine.
Molecular consequence: missense variant.
Genome position (GRCh38, 1-based): chr1:151,423,976, C>T on the plus strand (G>A on the coding strand, the complement: POGZ is on the minus strand). VCF-style: chr1-151423976-C-T. GRCh37 (hg19) VCF-style: chr1-151396452-C-T.
Other names: c.1469G>A, p.Cys490Tyr (NM_001194937.2); c.1310G>A, p.Cys437Tyr (NM_001194938.2); c.1517G>A, p.Cys506Tyr (NM_001410860.1); c.1211G>A, p.Cys404Tyr (NM_145796.4); c.1337G>A, p.Cys446Tyr (NM_207171.2); short protein forms C404Y, C437Y, C446Y, C490Y, C499Y, C506Y.
Identifiers: ClinVar variation 2504310 (VCV002504310.2), dbSNP rs2529436897, ClinGen allele CA341970678.

ClinVar aggregate classification (germline): Uncertain significance (1 of 4 stars; one submission).

Submission:

GeneDx
Classification: Uncertain significance. Last evaluated: 2025-10-08. Review status: criteria provided, single submitter. Criteria: GeneDx Variant Classification Process June 2021. Collection method: clinical testing. Allele origin: germline. Affected: yes.
Comment: Not observed at significant frequency in large population cohorts (gnomAD); In silico analysis supports that this missense variant has a deleterious effect on protein structure/function; Has not been previously published as pathogenic or benign to our knowledge